The following is an entry in ClinVar:

ClinVar aggregate classification (germline): Uncertain significance. Review status: criteria provided, multiple submitters, no conflicts (2 of 4 stars). 2 submissions from 2 submitters: Uncertain significance (2). Last evaluated 2024-03-21.

Conditions:
Inborn genetic diseases. Identifiers: MedGen C0950123, MeSH D030342.
Myopathy, proximal, and ophthalmoplegia (CMYO6). Also called: CONGENITAL MYOPATHY 6 WITH OPHTHALMOPLEGIA; MYOPATHY WITH CONGENITAL JOINT CONTRACTURES, OPHTHALMOPLEGIA, AND RIMMED VACUOLES; INCLUSION BODY MYOPATHY 3, AUTOSOMAL DOMINANT. Identifiers: Orphanet 363677, Orphanet 79091, MedGen C1854106, MONDO:0011577, OMIM 605637.

Allele frequency attached by ClinVar (database versions not stated): gnomAD exomes below 0.00001 and 0.00001.
gnomAD v4.1: 8 of 1,614,190 alleles (0.0005%); highest among the groups gnomAD compares: East Asian, 0.0022%; no homozygotes.

Submissions (2):

Labcorp Genetics (formerly Invitae), Labcorp
Classification: Uncertain significance for Myopathy, proximal, and ophthalmoplegia. Last evaluated: 2024-03-21. Review status: criteria provided, single submitter. Criteria: Invitae Variant Classification Sherloc (09022015). Collection method: clinical testing. Allele origin: germline.
Comment: This sequence change replaces valine, which is neutral and non-polar, with alanine, which is neutral and non-polar, at codon 498 of the MYH2 protein (p.Val498Ala). This variant is not present in population databases (gnomAD no frequency). This variant has not been reported in the literature in individuals affected with MYH2-related conditions. ClinVar contains an entry for this variant (Variation ID: 1045025). Advanced modeling of protein sequence and biophysical properties (such as structural, functional, and spatial information, amino acid conservation, physicochemical variation, residue mobility, and thermodynamic stability) performed at Invitae indicates that this missense variant is expected to disrupt MYH2 protein function with a positive predictive value of 80%. In summary, the available evidence is currently insufficient to determine the role of this variant in disease. Therefore, it has been classified as a Variant of Uncertain Significance.

Ambry Genetics
Classification: Uncertain significance for Inborn genetic diseases. Last evaluated: 2023-03-01. Review status: criteria provided, single submitter. Criteria: Ambry Variant Classification Scheme 2023. Collection method: clinical testing. Allele origin: germline.

NM_017534.6(MYH2):c.1493T>C (p.Val498Ala)

Genes: MYHAS (myosin heavy chain gene cluster antisense RNA; plus strand), MYH2 (myosin heavy chain 2; minus strand). Cytogenetic location: 17p13.1.
Variant type: single nucleotide variant.
Coding change: c.1493T>C on transcript NM_017534.6 (MANE Select); coding-DNA position 1493, T replaced by C.
Protein change: p.Val498Ala; replaces valine 498 with alanine.
Molecular consequence: missense variant.
Genome position (GRCh38, 1-based): chr17:10,537,759, A>G on the plus strand (T>C on the coding strand, the complement: MYH2 is on the minus strand). VCF-style: chr17-10537759-A-G. GRCh37 (hg19) VCF-style: chr17-10441076-A-G.
Other names: c.1493T>C, p.Val498Ala (NM_001100112.2); c.1493T>C (NM_017534.5); short protein forms V498A.
Identifiers: ClinVar variation 1045025 (VCV001045025.7), dbSNP rs1567733956, ClinGen allele CA398157672.